The following is an entry in ClinVar:

ClinVar aggregate classification (germline): Uncertain significance. Review status: criteria provided, multiple submitters, no conflicts (2 of 4 stars). 4 submissions from 4 submitters: Uncertain significance (4). Last evaluated 2025-11-10.

Conditions:
Autosomal dominant osteopetrosis 1 (OPTA1). Also called: OSTEOPETROSIS, AUTOSOMAL DOMINANT, TYPE I. Identifiers: Orphanet 2783, MedGen C1843330, MONDO:0011877, OMIM 607634.
Polycystic liver disease 4 with or without kidney cysts. Identifiers: MedGen C4693479, MONDO:0044327, OMIM 617875.
Osteoporosis with pseudoglioma (OPPG). Also called: osteoporosis-pseudoglioma syndrome. Identifiers: Orphanet 2788, MedGen C0432252, MONDO:0009820, OMIM 259770.
Worth disease. Also called: ENDOSTEAL HYPEROSTOSIS, AUTOSOMAL DOMINANT; Autosomal dominant osteosclerosis, Worth type; OSTEOSCLEROSIS, AUTOSOMAL DOMINANT. Identifiers: Orphanet 2790, MedGen C0432273, MONDO:0007764, OMIM 144750.
Exudative vitreoretinopathy 4 (EVR4). Identifiers: Orphanet 891, MedGen C1866176, MONDO:0011151, OMIM 601813.
Bone mineral density quantitative trait locus 1 (BMND1). Identifiers: MedGen C1866079, OMIM 601884.
LRP5-related disorder. Also called: LRP5-related condition.

Allele frequency attached by ClinVar (database versions not stated): gnomAD 0.00005 and 0.00006; ExAC 0.00006; gnomAD exomes 0.00006 and 0.00008; TOPMed 0.00009.
gnomAD v4.1: 98 of 1,608,256 alleles (0.0061%); highest among the groups gnomAD compares: Middle Eastern, 0.016%; no homozygotes.

Submissions (4):

Labcorp Genetics (formerly Invitae), Labcorp
Classification: Uncertain significance. Last evaluated: 2025-11-10. Review status: criteria provided, single submitter. Criteria: Invitae Variant Classification Sherloc (09022015). Collection method: clinical testing. Allele origin: germline.
Comment: This sequence change replaces alanine, which is neutral and non-polar, with valine, which is neutral and non-polar, at codon 1537 of the LRP5 protein (p.Ala1537Val). This variant is present in population databases (rs753256748, gnomAD 0.02%). This missense change has been observed in individual(s) with idiopathic low bone mass (PMID: 34639175). ClinVar contains an entry for this variant (Variation ID: 1061756). Invitae Evidence Modeling of protein sequence and biophysical properties (such as structural, functional, and spatial information, amino acid conservation, physicochemical variation, residue mobility, and thermodynamic stability) indicates that this missense variant is not expected to disrupt LRP5 protein function with a negative predictive value of 95%. In summary, the available evidence is currently insufficient to determine the role of this variant in disease. Therefore, it has been classified as a Variant of Uncertain Significance.

GeneDx
Classification: Uncertain significance. Last evaluated: 2025-10-01. Review status: criteria provided, single submitter. Criteria: GeneDx Variant Classification Process June 2021. Collection method: clinical testing. Allele origin: germline.
Comment: Identified in a patient with idiopathic low bone mass and considered to be a variant of uncertain significance in published literature (PMID: 34639175); In silico analysis suggests that this missense variant does not alter protein structure/function; This variant is associated with the following publications: (PMID: 35457050, 34639175)

PreventionGenetics, part of Exact Sciences
Classification: Uncertain significance for LRP5-related condition. Last evaluated: 2025-07-24. Review status: criteria provided, single submitter. Criteria: ACMG Guidelines, 2015. Collection method: clinical testing. Allele origin: germline.
Comment: The LRP5 c.4610C>T variant is predicted to result in the amino acid substitution p.Ala1537Val. This variant has been reported in an individual with early-onset high myopia (eoHM) (González-Iglesias et al. 2022. PubMed ID: 35457050). This variant is reported in 0.020% of alleles in individuals of Latino descent in gnomAD. At this time, the clinical significance of this variant is uncertain due to the absence of conclusive functional and genetic evidence.

Fulgent Genetics
Classification: Uncertain significance for Worth disease; Osteoporosis with pseudoglioma; Exudative vitreoretinopathy 4; Bone mineral density quantitative trait locus 1; Autosomal dominant osteopetrosis 1; Polycystic liver disease 4 with or without kidney cysts. Last evaluated: 2024-04-16. Review status: criteria provided, single submitter. Criteria: ACMG Guidelines, 2015. Collection method: clinical testing. Allele origin: germline.

Literature cited by the submitters: PubMed 34639175 (cited by Labcorp Genetics (formerly Invitae), Labcorp).

NM_002335.4(LRP5):c.4610C>T (p.Ala1537Val)

Gene: LRP5 (LDL receptor related protein 5; plus strand). Cytogenetic location: 11q13.2.
Variant type: single nucleotide variant.
Coding change: c.4610C>T on transcript NM_002335.4 (MANE Select); coding-DNA position 4610, C replaced by T.
Protein change: p.Ala1537Val; replaces alanine 1537 with valine.
Molecular consequence: missense variant.
Genome position (GRCh38, 1-based): chr11:68,448,832, C>T. VCF-style: chr11-68448832-C-T. GRCh37 (hg19) VCF-style: chr11-68216300-C-T.
Other names: c.4610C>T (NM_002335.3, NM_002335.2); c.2867C>T, p.Ala956Val (NM_001291902.2); short protein forms A1537V, A956V.
Identifiers: ClinVar variation 1061756 (VCV001061756.12), dbSNP rs753256748, ClinGen allele CA6150463.